The following is an entry in ClinVar:

ClinVar aggregate classification (germline): Likely benign (0 of 4 stars; one submission).

Conditions:
SRGAP1-related disorder. Also called: SRGAP1-related condition.

Allele frequency attached by ClinVar (database versions not stated): gnomAD 0.00003; TOPMed 0.00003; gnomAD exomes 0.00005; ExAC 0.00012.
gnomAD v4.1: 73 of 1,613,316 alleles (0.0045%); highest among the groups gnomAD compares: South Asian, 0.063%; 1 homozygote.

Submission:

PreventionGenetics, part of Exact Sciences
Classification: Likely benign for SRGAP1-related condition. Last evaluated: 2021-03-02. Review status: no assertion criteria provided. Collection method: clinical testing. Allele origin: germline.
Comment: This variant is classified as likely benign based on ACMG/AMP sequence variant interpretation guidelines (Richards et al. 2015 PMID: 25741868, with internal and published modifications).

NM_020762.4(SRGAP1):c.555C>T (p.Ala185=)

Gene: SRGAP1 (SLIT-ROBO Rho GTPase activating protein 1; plus strand). Cytogenetic location: 12q14.2.
Variant type: single nucleotide variant.
Coding change: c.555C>T on transcript NM_020762.4 (MANE Select); coding-DNA position 555, C replaced by T.
Protein change: p.Ala185=; no amino-acid change (alanine 185 retained).
Molecular consequence: synonymous variant.
Genome position (GRCh38, 1-based): chr12:64,042,855, C>T. VCF-style: chr12-64042855-C-T. GRCh37 (hg19) VCF-style: chr12-64436635-C-T.
Other names: c.555C>T, p.Ala185= (NM_001346201.2).
Identifiers: ClinVar variation 3031469 (VCV003031469.2), dbSNP rs757099301, ClinGen allele CA6666420.
Genomic context (GRCh38, chr12:64,042,855, plus strand): 5'-GAAAACATACCATATGTATCATGCAGAGAGCATCAGTGCAGAGAGCAAGCTGAAAGAGGC[C>T]GAAAAACAAGAGGAAAAGCAAATTGGGAGATCTGGTGATCCAGTCTTCCATATTCGACTA-3'
Protein context (NP_065813.1, residues 175-195): SISAESKLKE[Ala185=]EKQEEKQIGR